The following is an entry in ClinVar:

NM_000465.4(BARD1):c.86A>T (p.Asp29Val)

Gene: BARD1 (BRCA1 associated RING domain 1; minus strand). Cytogenetic location: 2q35.
Variant type: single nucleotide variant.
Coding change: c.86A>T on transcript NM_000465.4 (MANE Select); coding-DNA position 86, A replaced by T.
Protein change: p.Asp29Val; replaces aspartic acid 29 with valine.
Molecular consequence: missense variant. On other transcripts: non-coding transcript variant (3).
Genome position (GRCh38, 1-based): chr2:214,809,484, T>A on the plus strand (A>T on the coding strand, the complement: BARD1 is on the minus strand). VCF-style: chr2-214809484-T-A. GRCh37 (hg19) VCF-style: chr2-215674208-T-A.
Other names: c.86A>T, p.Asp29Val (NM_001282543.2, NM_001282545.2, NM_001282548.2 and 1 more transcripts); short protein forms D29V.
Identifiers: ClinVar variation 230784 (VCV000230784.19), dbSNP rs777491507, ClinGen allele CA10577864.

ClinVar aggregate classification (germline): Conflicting classifications of pathogenicity. Review status: criteria provided, conflicting classifications (1 of 4 stars). 5 submissions from 5 submitters: Uncertain significance (4); Likely benign (1). Last evaluated 2025-10-09.

Conditions:
Familial cancer of breast. Also called: BREAST CANCER, FAMILIAL; hereditary breast carcinoma; Hereditary breast cancer. Identifiers: Orphanet 227535, MedGen C0346153, MONDO:0016419, OMIM 114480. Disease mechanism: loss of function.
Hereditary cancer-predisposing syndrome. Also called: Neoplastic Syndromes, Hereditary; Tumor predisposition; Hereditary Cancer Syndrome; Hereditary neoplastic syndrome. Identifiers: Orphanet 140162, MedGen C0027672, MeSH D009386, MONDO:0015356.

Submissions (5):

Quest Diagnostics Nichols Institute San Juan Capistrano
Classification: Uncertain significance. Last evaluated: 2025-10-09. Review status: criteria provided, single submitter. Criteria: Quest Diagnostics criteria. Collection method: clinical testing. Allele origin: unknown.
Comment: The BARD1 c.86A>T (p.Asp29Val) variant has not been reported in individuals with BARD1-related conditions in the published literature. This variant has not been reported in large, multi-ethnic general populations (Genome Aggregation Database). Analysis of this variant using bioinformatics tools for the prediction of the effect of amino acid changes on protein structure and function yielded predictions that this variant is benign. Additional analysis using software algorithms for the prediction of the effect of nucleotide changes on BARD1 mRNA splicing yielded predictions that this variant may result in the gain of a cryptic splice site without affecting the natural splice sites. Based on the available information, we are unable to determine the clinical significance of this variant.

Ambry Genetics
Classification: Likely benign for Hereditary cancer-predisposing syndrome. Last evaluated: 2025-09-23. Review status: criteria provided, single submitter. Criteria: Ambry Variant Classification Scheme 2023. Collection method: clinical testing. Allele origin: germline.

Labcorp Genetics (formerly Invitae), Labcorp
Classification: Uncertain significance for Familial cancer of breast. Last evaluated: 2025-03-30. Review status: criteria provided, single submitter. Criteria: Invitae Variant Classification Sherloc (09022015). Collection method: clinical testing. Allele origin: germline.
Comment: This sequence change replaces aspartic acid, which is acidic and polar, with valine, which is neutral and non-polar, at codon 29 of the BARD1 protein (p.Asp29Val). This variant is not present in population databases (gnomAD no frequency). This variant has not been reported in the literature in individuals affected with BARD1-related conditions. ClinVar contains an entry for this variant (Variation ID: 230784). An algorithm developed to predict the effect of missense changes on protein structure and function (PolyPhen-2) suggests that this variant is likely to be tolerated. In summary, the available evidence is currently insufficient to determine the role of this variant in disease. Therefore, it has been classified as a Variant of Uncertain Significance.

GeneDx
Classification: Uncertain significance. Last evaluated: 2024-07-09. Review status: criteria provided, single submitter. Criteria: GeneDx Variant Classification Process June 2021. Collection method: clinical testing. Allele origin: germline. Affected: yes.
Comment: Not observed at significant frequency in large population cohorts (gnomAD); In silico analysis indicates that this missense variant does not alter protein structure/function; Has not been previously published as pathogenic or benign to our knowledge; This variant is associated with the following publications: (PMID: 18480049)

Fulgent Genetics
Classification: Uncertain significance for Familial cancer of breast. Last evaluated: 2024-04-24. Review status: criteria provided, single submitter. Criteria: ACMG Guidelines, 2015. Collection method: clinical testing. Allele origin: germline.